The following is an entry in ClinVar:

ClinVar aggregate classification (germline): Uncertain significance. Review status: criteria provided, multiple submitters, no conflicts (2 of 4 stars). 2 submissions from 2 submitters: Uncertain significance (2). Last evaluated 2025-10-22.

Conditions:
PITX1-related disorder. Also called: PITX1-related condition.

Submissions (2):

Labcorp Genetics (formerly Invitae), Labcorp
Classification: Uncertain significance. Last evaluated: 2025-10-22. Review status: criteria provided, single submitter. Criteria: Invitae Variant Classification Sherloc (09022015). Collection method: clinical testing. Allele origin: germline.
Comment: This variant, c.66_68dup, results in the insertion of 1 amino acid(s) of the PITX1 protein (p.Pro24dup), but otherwise preserves the integrity of the reading frame. This variant is present in population databases (rs776272532, gnomAD 0.03%). This variant has not been reported in the literature in individuals affected with PITX1-related conditions. In summary, the available evidence is currently insufficient to determine the role of this variant in disease. Therefore, it has been classified as a Variant of Uncertain Significance.

PreventionGenetics, part of Exact Sciences
Classification: Uncertain significance for PITX1-related condition. Last evaluated: 2023-02-28. Review status: criteria provided, single submitter. Criteria: ACMG Guidelines, 2015. Collection method: clinical testing. Allele origin: germline.
Comment: The PITX1 c.66_68dupGCC variant is predicted to result in an in-frame duplication (p.Pro24dup). To our knowledge, this variant has not been reported in the literature. This variant is reported in 0.025% of alleles in individuals of South Asian descent in gnomAD. At this time, the clinical significance of this variant is uncertain due to the absence of conclusive functional and genetic evidence.

NM_002653.5(PITX1):c.54GCC[6] (p.Pro24_His25insPro)

Genes: PITX1 (paired like homeodomain 1; minus strand), PITX1-AS1 (PITX1 antisense RNA 1; plus strand). Cytogenetic location: 5q31.1.
Variant type: Microsatellite.
Coding change: c.54GCC[6] on transcript NM_002653.5 (MANE Select); six copies in a row of the 3-base unit GCC starting at c.54; the reference has five copies in a row; one copy, 3 bases duplicated.
Protein change: p.Pro24_His25insPro.
Molecular consequence: inframe insertion.
Genome position (GRCh38, 1-based): chr5:135,033,814-135,033,816, GGC duplicated on the plus strand (GCC on the coding strand, the reverse complement: PITX1 is on the minus strand); duplicating any 3 consecutive bases within chr5:135,033,814-135,033,828 gives the same sequence; the position shown is the placement nearest the transcript's 3' end. VCF-style (leftmost placement, unchanged base first): chr5-135033813-T-TGGC. GRCh37 (hg19) VCF-style: chr5-134369503-T-TGGC.
Identifiers: ClinVar variation 2634771 (VCV002634771.3), dbSNP rs752690307, ClinGen allele CA3417729.